The following is an entry in ClinVar:

NM_052867.4(NALCN):c.1262C>T (p.Ala421Val)

Genes: NALCN (sodium leak channel, non-selective; minus strand), LOC126861831 (P300/CBP strongly-dependent group 1 enhancer GRCh37_chr13:101909917-101911116; plus strand). Cytogenetic location: 13q33.1.
Variant type: single nucleotide variant.
Coding change: c.1262C>T on transcript NM_052867.4 (MANE Select); coding-DNA position 1262, C replaced by T.
Protein change: p.Ala421Val; replaces alanine 421 with valine.
Molecular consequence: missense variant.
Genome position (GRCh38, 1-based): chr13:101,258,447, G>A on the plus strand (C>T on the coding strand, the complement: NALCN is on the minus strand). VCF-style: chr13-101258447-G-A. GRCh37 (hg19) VCF-style: chr13-101910798-G-A.
Other names: c.1262C>T, p.Ala421Val (NM_001350748.2, NM_001350749.2); c.1175C>T, p.Ala392Val (NM_001350750.2, NM_001350751.2); short protein forms A392V, A421V.
Identifiers: ClinVar variation 3621155 (VCV003621155.2).

ClinVar aggregate classification (germline): Uncertain significance (1 of 4 stars; one submission).

gnomAD v4.1: 4 of 1,613,960 alleles (0.00025%); highest among the groups gnomAD compares: East Asian, 0.0045%; no homozygotes.

Submission:

Labcorp Genetics (formerly Invitae), Labcorp
Classification: Uncertain significance. Last evaluated: 2024-09-14. Review status: criteria provided, single submitter. Criteria: Invitae Variant Classification Sherloc (09022015). Collection method: clinical testing. Allele origin: germline.
Comment: This sequence change replaces alanine, which is neutral and non-polar, with valine, which is neutral and non-polar, at codon 421 of the NALCN protein (p.Ala421Val). This variant is present in population databases (no rsID available, gnomAD 0.01%). This variant has not been reported in the literature in individuals affected with NALCN-related conditions. Invitae Evidence Modeling of protein sequence and biophysical properties (such as structural, functional, and spatial information, amino acid conservation, physicochemical variation, residue mobility, and thermodynamic stability) indicates that this missense variant is not expected to disrupt NALCN protein function with a negative predictive value of 80%. In summary, the available evidence is currently insufficient to determine the role of this variant in disease. Therefore, it has been classified as a Variant of Uncertain Significance.